The following is an entry in ClinVar:

ClinVar aggregate classification (germline): Benign/Likely benign. Review status: criteria provided, multiple submitters, no conflicts (2 of 4 stars). 4 submissions from 4 submitters: Benign (2); Likely benign (1). 1 of the submissions does not count toward it. Last evaluated 2026-01-26.

Conditions:
CHMP1A-related disorder. Also called: CHMP1A-related condition.

Allele frequency attached by ClinVar (database versions not stated): gnomAD exomes 0.00041 and 0.00098; ExAC 0.00211; ESP Exome Variant Server 0.00337; 1000 Genomes Project 0.00339; 1000 Genomes Project 30x 0.00375; gnomAD 0.00406 and 0.00439; TOPMed 0.00451.

Submissions (4):

Labcorp Genetics (formerly Invitae), Labcorp
Classification: Benign. Last evaluated: 2026-01-26. Review status: criteria provided, single submitter. Criteria: Invitae Variant Classification Sherloc (09022015). Collection method: clinical testing. Allele origin: germline.

CeGaT Center for Human Genetics Tuebingen
Classification: Benign. Last evaluated: 2023-09-01. Review status: criteria provided, single submitter. Criteria: CeGaT Center For Human Genetics Tuebingen Variant Classification Criteria Version 2. Collection method: clinical testing. Allele origin: germline. Affected: yes. Observed: 1 variant allele.
Comment: CHMP1A: BS1, BS2

GeneDx
Classification: Likely benign. Last evaluated: 2021-04-24. Review status: criteria provided, single submitter. Criteria: GeneDx Variant Classification Process June 2021. Collection method: clinical testing. Allele origin: germline. Affected: yes.

PreventionGenetics, part of Exact Sciences
Classification: Likely benign for CHMP1A-related condition. Last evaluated: 2019-04-02. Review status: no assertion criteria provided. Collection method: clinical testing. Allele origin: germline. Not counted in ClinVar's aggregate classification.
Comment: This variant is classified as likely benign based on ACMG/AMP sequence variant interpretation guidelines (Richards et al. 2015 PMID: 25741868, with internal and published modifications).

NM_002768.5(CHMP1A):c.507C>T (p.Pro169=)

Gene: CHMP1A (charged multivesicular body protein 1A; minus strand). Cytogenetic location: 16q24.3.
Variant type: single nucleotide variant.
Coding change: c.507C>T on transcript NM_002768.5 (MANE Select); coding-DNA position 507, C replaced by T.
Protein change: p.Pro169=; no amino-acid change (proline 169 retained).
Molecular consequence: synonymous variant. On other transcripts: nonsense (1), non-coding transcript variant (1).
Genome position (GRCh38, 1-based): chr16:89,646,589, G>A on the plus strand (C>T on the coding strand, the complement: CHMP1A is on the minus strand). VCF-style: chr16-89646589-G-A. GRCh37 (hg19) VCF-style: chr16-89712997-G-A.
Other names: c.487C>T, p.Arg163Ter (NM_001083314.4); c.487C>T (NM_001083314.3); short protein forms R163*.
Identifiers: ClinVar variation 384618 (VCV000384618.37), dbSNP rs61730918, ClinGen allele CA8246962.
Genomic context (GRCh38, chr16:89,646,589, plus strand): 5'-CCGTGACAGCTGGTCCTCCTGGCTGCGCACAGAGCTCTCGCCCACGGCAGAGGCGCCCTC[G>A]GGCAGCTGGCTGAGCTGGTCCAGCACCTCCAGGCCATTCTCCTCGGCGATCTGCATGATG-3'
Protein context (NP_002759.2, residues 159-179): LEVLDQLSQL[Pro169=]EGASAVGESS